The following is an entry in ClinVar:

NM_001130144.3(LTBP3):c.626T>C (p.Leu209Pro)

Gene: LTBP3 (latent transforming growth factor beta binding protein 3; minus strand). Cytogenetic location: 11q13.1.
Variant type: single nucleotide variant.
Coding change: c.626T>C on transcript NM_001130144.3 (MANE Select); coding-DNA position 626, T replaced by C.
Protein change: p.Leu209Pro; replaces leucine 209 with proline.
Molecular consequence: missense variant.
Genome position (GRCh38, 1-based): chr11:65,554,086, A>G on the plus strand (T>C on the coding strand, the complement: LTBP3 is on the minus strand). VCF-style: chr11-65554086-A-G. GRCh37 (hg19) VCF-style: chr11-65321557-A-G.
Other names: c.626T>C, p.Leu209Pro (NM_021070.4); c.275T>C, p.Leu92Pro (NM_001164266.1); short protein forms L92P, L209P.
Identifiers: ClinVar variation 2789359 (VCV002789359.3), dbSNP rs2496177476, ClinGen allele CA381276243.

ClinVar aggregate classification (germline): Uncertain significance (1 of 4 stars; one submission).

Conditions:
Brachyolmia-amelogenesis imperfecta syndrome. Also called: PLATYSPONDYLY WITH AMELOGENESIS IMPERFECTA; Tooth agenesis, selective, 6; Dental anomalies and short stature. Identifiers: Orphanet 2899, MedGen C1832594, MONDO:0011018, OMIM 601216. Disease mechanism: loss of function.

Submission:

Labcorp Genetics (formerly Invitae), Labcorp
Classification: Uncertain significance for Brachyolmia-amelogenesis imperfecta syndrome. Last evaluated: 2024-01-29. Review status: criteria provided, single submitter. Criteria: Invitae Variant Classification Sherloc (09022015). Collection method: clinical testing. Allele origin: germline.
Comment: This sequence change replaces leucine, which is neutral and non-polar, with proline, which is neutral and non-polar, at codon 209 of the LTBP3 protein (p.Leu209Pro). This variant is not present in population databases (gnomAD no frequency). This variant has not been reported in the literature in individuals affected with LTBP3-related conditions. An algorithm developed to predict the effect of missense changes on protein structure and function (PolyPhen-2) suggests that this variant is likely to be disruptive. In summary, the available evidence is currently insufficient to determine the role of this variant in disease. Therefore, it has been classified as a Variant of Uncertain Significance.